The following is an entry in ClinVar:

ClinVar aggregate classification (germline): Likely benign (0 of 4 stars; one submission).

Conditions:
ACSS2-related disorder. Also called: ACSS2-related condition.

gnomAD v4.1: 178 of 1,611,770 alleles (0.011%); highest among the groups gnomAD compares: African/African-American, 0.21%; no homozygotes.

Submission:

PreventionGenetics, part of Exact Sciences
Classification: Likely benign for ACSS2-related condition. Last evaluated: 2024-08-29. Review status: no assertion criteria provided. Collection method: clinical testing. Allele origin: germline.
Comment: This variant is classified as likely benign based on ACMG/AMP sequence variant interpretation guidelines (Richards et al. 2015 PMID: 25741868, with internal and published modifications).

NM_018677.4(ACSS2):c.319G>C (p.Val107Leu)

Gene: ACSS2 (acyl-CoA synthetase short chain family member 2; plus strand). Cytogenetic location: 20q11.22.
Variant type: single nucleotide variant.
Coding change: c.319G>C on transcript NM_018677.4 (MANE Select); coding-DNA position 319, G replaced by C.
Protein change: p.Val107Leu; replaces valine 107 with leucine.
Molecular consequence: missense variant.
Genome position (GRCh38, 1-based): chr20:34,882,934, G>C. VCF-style: chr20-34882934-G-C. GRCh37 (hg19) VCF-style: chr20-33470737-G-C.
Other names: c.319G>C, p.Val107Leu (NM_001076552.3); c.34G>C, p.Val12Leu (NM_001242393.2); short protein forms V107L, V12L.
Identifiers: ClinVar variation 3357577 (VCV003357577.1).